The following is an entry in ClinVar:

NM_001206927.2(DNAH8):c.2146C>A (p.His716Asn)

Gene: DNAH8 (dynein axonemal heavy chain 8; plus strand). Cytogenetic location: 6p21.2.
Variant type: single nucleotide variant.
Coding change: c.2146C>A on transcript NM_001206927.2 (MANE Select); coding-DNA position 2146, C replaced by A.
Protein change: p.His716Asn; replaces histidine 716 with asparagine.
Molecular consequence: missense variant.
Genome position (GRCh38, 1-based): chr6:38,781,260, C>A. VCF-style: chr6-38781260-C-A. GRCh37 (hg19) VCF-style: chr6-38749036-C-A.
Other names: c.1495C>A, p.His499Asn (NM_001371.4); c.2146C>A (NM_001206927.1); short protein forms H499N, H716N.
Identifiers: ClinVar variation 2154821 (VCV002154821.4), dbSNP rs1768569619, ClinGen allele CA363989084.
Genomic context (GRCh38, chr6:38,781,260, plus strand): 5'-TTGCCTTCTCCCTTGTATTGAATTCAAACATTAACATCAGATTTTTAATTACAGCTTTAT[C>A]ATTCTCAGAAAGATGACCCCCCTCTTGCTCGCAACATGCCCCCTATAGCAGGAAAAATAC-3'
Protein context (NP_001193856.1, residues 706-726): AELDATKKLY[His716Asn]SQKDDPPLAR

ClinVar aggregate classification (germline): Uncertain significance. Review status: criteria provided, multiple submitters, no conflicts (2 of 4 stars). 2 submissions from 2 submitters: Uncertain significance (2). Last evaluated 2024-08-04.

Conditions:
Primary ciliary dyskinesia. Also called: Ciliary dyskinesia. Identifiers: Orphanet 244, MedGen C0008780, MONDO:0016575, HP:0012265.

Allele frequency attached by ClinVar (database versions not stated): gnomAD 0.00001; gnomAD exomes 0.00001.
gnomAD v4.1: 8 of 1,613,492 alleles (0.0005%); highest among the groups gnomAD compares: Admixed American, 0.0017%; no homozygotes.

Submissions (2):

Ambry Genetics
Classification: Uncertain significance. Last evaluated: 2024-08-04. Review status: criteria provided, single submitter. Criteria: Ambry Variant Classification Scheme 2023. Collection method: clinical testing. Allele origin: germline.

Labcorp Genetics (formerly Invitae), Labcorp
Classification: Uncertain significance for Primary ciliary dyskinesia. Last evaluated: 2022-06-09. Review status: criteria provided, single submitter. Criteria: Invitae Variant Classification Sherloc (09022015). Collection method: clinical testing. Allele origin: germline.
Comment: In summary, the available evidence is currently insufficient to determine the role of this variant in disease. Therefore, it has been classified as a Variant of Uncertain Significance. Algorithms developed to predict the effect of missense changes on protein structure and function are either unavailable or do not agree on the potential impact of this missense change (SIFT: "Tolerated"; PolyPhen-2: "Not Available"; Align-GVGD: "Class C0"). This variant has not been reported in the literature in individuals affected with DNAH8-related conditions. This variant is not present in population databases (gnomAD no frequency). This sequence change replaces histidine, which is basic and polar, with asparagine, which is neutral and polar, at codon 716 of the DNAH8 protein (p.His716Asn).